The following is an entry in ClinVar:

NM_014251.3(SLC25A13):c.263_264del (p.Pro88fs)

Gene: SLC25A13 (solute carrier family 25 member 13; minus strand). Cytogenetic location: 7q21.3.
Variant type: Deletion.
Coding change: c.263_264del on transcript NM_014251.3 (MANE Select); coding-DNA positions 263 to 264, 2 bases deleted (CT; older notation c.263_264delCT).
Protein change: p.Pro88fs; shifts the reading frame from proline 88.
Molecular consequence: frameshift variant.
Genome position (GRCh38, 1-based): chr7:96,234,866-96,234,867, AG deleted on the plus strand (CT on the coding strand, the reverse complement: SLC25A13 is on the minus strand). VCF-style (leftmost placement, unchanged base first): chr7-96234865-CAG-C. GRCh37 (hg19) VCF-style: chr7-95864177-CAG-C.
Other names: c.263_264del, p.Pro88fs (NM_001160210.2); short protein forms P88fs.
Identifiers: ClinVar variation 4815638 (VCV004815638.1).

ClinVar aggregate classification (germline): Likely pathogenic (1 of 4 stars; one submission).

Conditions:
Citrullinemia. Identifiers: Orphanet 187, MedGen C0175683, MONDO:0015991.

Submission:

Natera, Inc.
Classification: Likely pathogenic for Citrullinemia. Last evaluated: 2024-07-16. Review status: criteria provided, single submitter. Criteria: Natera Variant Classification Schema (03/2026). Collection method: clinical testing. Allele origin: germline.
Comment: The c.263_264del variant in SLC25A13 is a frameshift variant predicted to shift the reading frame beginning at codon 88 and leads to a stop codon 12 codons downstream. This variant is expected to result in nonsense mediated decay, truncation, or a dysfunctional protein product. This variant is rare in the general population with a frequency below the threshold expected for the associated phenotype(s). Given the available evidence, this variant is classified as Likely Pathogenic.